The following is an entry in ClinVar:

NM_004168.4(SDHA):c.621G>C (p.Arg207Ser)

Gene: SDHA (succinate dehydrogenase complex flavoprotein subunit A; plus strand). Cytogenetic location: 5p15.33.
Variant type: single nucleotide variant.
Coding change: c.621G>C on transcript NM_004168.4 (MANE Select); coding-DNA position 621, G replaced by C.
Protein change: p.Arg207Ser; replaces arginine 207 with serine.
Molecular consequence: missense variant.
Genome position (GRCh38, 1-based): chr5:226,047, G>C. VCF-style: chr5-226047-G-C. GRCh37 (hg19) VCF-style: chr5-226162-G-C.
Other names: c.477G>C, p.Arg159Ser (NM_001294332.2); c.621G>C, p.Arg207Ser (NM_001330758.2); short protein forms R207S, R159S.
Identifiers: ClinVar variation 1752288 (VCV001752288.4), dbSNP rs2126550683, ClinGen allele CA359010689.

ClinVar aggregate classification (germline): Uncertain significance. Review status: criteria provided, multiple submitters, no conflicts (2 of 4 stars). 2 submissions from 2 submitters: Uncertain significance (2). Last evaluated 2024-02-17.

Conditions:
Mitochondrial complex II deficiency, nuclear type 1. Also called: SUCCINATE CoQ REDUCTASE DEFICIENCY. Identifiers: Orphanet 3208, MedGen C5700310, MONDO:0100294, OMIM 252011.
Pheochromocytoma/paraganglioma syndrome 5. Also called: Paragangliomas 5; SDHA-Related Hereditary Paraganglioma-Pheochromocytoma Syndrome. Identifiers: Orphanet 29072, MedGen C3279992, MONDO:0013602, OMIM 614165.
Hereditary cancer-predisposing syndrome. Also called: Hereditary Cancer Syndrome; Hereditary neoplastic syndrome; Neoplastic Syndromes, Hereditary; Tumor predisposition. Identifiers: Orphanet 140162, MedGen C0027672, MeSH D009386, MONDO:0015356.

Submissions (2):

Labcorp Genetics (formerly Invitae), Labcorp
Classification: Uncertain significance for Pheochromocytoma/paraganglioma syndrome 5; Mitochondrial complex II deficiency, nuclear type 1. Last evaluated: 2024-02-17. Review status: criteria provided, single submitter. Criteria: Invitae Variant Classification Sherloc (09022015). Collection method: clinical testing. Allele origin: germline.
Comment: This sequence change replaces arginine, which is basic and polar, with serine, which is neutral and polar, at codon 207 of the SDHA protein (p.Arg207Ser). This variant also falls at the last nucleotide of exon 5, which is part of the consensus splice site for this exon. This variant is not present in population databases (gnomAD no frequency). This variant has not been reported in the literature in individuals affected with SDHA-related conditions. ClinVar contains an entry for this variant (Variation ID: 1752288). An algorithm developed to predict the effect of missense changes on protein structure and function (PolyPhen-2) suggests that this variant is likely to be disruptive. Variants that disrupt the consensus splice site are a relatively common cause of aberrant splicing (PMID: 17576681, 9536098). Algorithms developed to predict the effect of sequence changes on RNA splicing suggest that this variant may disrupt the consensus splice site. In summary, the available evidence is currently insufficient to determine the role of this variant in disease. Therefore, it has been classified as a Variant of Uncertain Significance.

Ambry Genetics
Classification: Uncertain significance for Hereditary cancer-predisposing syndrome. Last evaluated: 2022-10-20. Review status: criteria provided, single submitter. Criteria: Ambry Variant Classification Scheme 2023. Collection method: clinical testing. Allele origin: germline.
Comment: The p.R207S variant (also known as c.621G>C), located in coding exon 5 of the SDHA gene, results from a G to C substitution at nucleotide position 621. The amino acid change results in arginine to serine at codon 207, an amino acid with dissimilar properties. However, this change occurs in the last base pair of coding exon 5, which makes it likely to have some effect on normal mRNA splicing. This nucleotide position is well conserved in available vertebrate species. This amino acid position is highly conserved in available vertebrate species. In silico splice site analysis for this alteration is inconclusive. In addition, as a missense substitution this is predicted to be inconclusive by in silico analysis. Since supporting evidence is limited at this time, the clinical significance of this alteration remains unclear.

Literature cited by the submitters: PubMed 17576681 (cited by Labcorp Genetics (formerly Invitae), Labcorp); PubMed 9536098 (cited by Labcorp Genetics (formerly Invitae), Labcorp).